The following is an entry in ClinVar:

ClinVar aggregate classification (germline): Uncertain significance (1 of 4 stars; one submission).

Conditions:
Inborn genetic diseases. Identifiers: MedGen C0950123, MeSH D030342.

Submission:

Ambry Genetics
Classification: Uncertain significance for Inborn genetic diseases. Last evaluated: 2025-01-20. Review status: criteria provided, single submitter. Criteria: Ambry Variant Classification Scheme 2023. Collection method: clinical testing. Allele origin: germline.
Comment: The p.I455S variant (also known as c.1364T>G), located in coding exon 5 of the MBD4 gene, results from a T to G substitution at nucleotide position 1364. The isoleucine at codon 455 is replaced by serine, an amino acid with dissimilar properties. This amino acid position is conserved. In addition, this alteration is predicted to be deleterious by in silico analysis. Based on the available evidence, the clinical significance of this variant remains unclear.

NM_001276270.2(MBD4):c.1364T>G (p.Ile455Ser)

Gene: MBD4 (methyl-CpG binding domain 4, DNA glycosylase; minus strand). Cytogenetic location: 3q21.3.
Variant type: single nucleotide variant.
Coding change: c.1364T>G on transcript NM_001276270.2 (MANE Select); coding-DNA position 1364, T replaced by G.
Protein change: p.Ile455Ser; replaces isoleucine 455 with serine.
Molecular consequence: missense variant.
Genome position (GRCh38, 1-based): chr3:129,433,879, A>C on the plus strand (T>G on the coding strand, the complement: MBD4 is on the minus strand). VCF-style: chr3-129433879-A-C. GRCh37 (hg19) VCF-style: chr3-129152722-A-C.
Other names: c.1382T>G, p.Ile461Ser (NM_001276271.2, NM_001276272.2, NM_003925.3); c.428T>G, p.Ile143Ser (NM_001276273.2); short protein forms I143S, I461S, I455S.
Identifiers: ClinVar variation 3870906 (VCV003870906.1).
Genomic context (GRCh38, chr3:129,433,879, plus strand): 5'-ACTAAGACAAAGATGATAATAATCCCCAAACCTGAGGTCCGATTGAGAAATATAGTAGCG[A>C]TGAGAAGCTTCCATGGATCATGAAAAAGTGTTTCTTGAACGAGATTAAAAGGTGACCGAG-3'
Protein context (NP_001263199.1, residues 445-465): TLFHDPWKLL[Ile455Ser]ATIFLNRTSG